The following is an entry in ClinVar:

ClinVar aggregate classification (germline): Uncertain significance (1 of 4 stars; one submission).

Conditions:
Seckel syndrome 6 (SCKL6). Identifiers: MedGen C3553582, MONDO:0013871, OMIM 614728.

Allele frequency attached by ClinVar (database versions not stated): gnomAD 0.00001; ExAC 0.00002; ESP Exome Variant Server 0.00008.
gnomAD v4.1: 78 of 1,613,188 alleles (0.0048%); highest among the groups gnomAD compares: Middle Eastern, 0.033%; no homozygotes.

Submission:

Dr. med. U. Finckh, Human Genetics, Eurofins MVZ
Classification: Uncertain significance for Seckel syndrome 6. Last evaluated: 2023-01-01. Review status: criteria provided, single submitter. Criteria: ACMG Guidelines, 2015. Collection method: clinical testing. Allele origin: unknown.

NM_001353108.3(CEP63):c.790-11C>G

Gene: CEP63 (centrosomal protein 63; plus strand). Cytogenetic location: 3q22.2.
Variant type: single nucleotide variant.
Coding change: c.790-11C>G on transcript NM_001353108.3 (MANE Select); 11 bases into the intron before coding-DNA position 790, C replaced by G.
Molecular consequence: intron variant.
Genome position (GRCh38, 1-based): chr3:134,546,138, C>G. VCF-style: chr3-134546138-C-G. GRCh37 (hg19) VCF-style: chr3-134264980-C-G.
Other names: c.790-11C>G (NM_001353113.1, NM_001042384.2, NM_001353122.1 and 13 more transcripts); c.817-11C>G (NM_001353118.1); c.427-11C>G (NM_001353126.2); c.706-11C>G (NM_001353125.2).
Identifiers: ClinVar variation 2505567 (VCV002505567.1), dbSNP rs368225983, ClinGen allele CA2628497.